The following is an entry in ClinVar:

ClinVar aggregate classification (germline): Uncertain significance (1 of 4 stars; one submission).

Submission:

Labcorp Genetics (formerly Invitae), Labcorp
Classification: Uncertain significance. Last evaluated: 2023-08-25. Review status: criteria provided, single submitter. Criteria: Invitae Variant Classification Sherloc (09022015). Collection method: clinical testing. Allele origin: germline.
Comment: In summary, the available evidence is currently insufficient to determine the role of this variant in disease. Therefore, it has been classified as a Variant of Uncertain Significance. Variants that disrupt the consensus splice site are a relatively common cause of aberrant splicing (PMID: 17576681, 9536098). Algorithms developed to predict the effect of sequence changes on RNA splicing suggest that this variant may disrupt the consensus splice site. This variant has not been reported in the literature in individuals affected with APOA1-related conditions. This variant is not present in population databases (gnomAD no frequency). This sequence change affects an acceptor splice site in intron 3 of the APOA1 gene. While this variant is not anticipated to result in nonsense mediated decay, it likely alters RNA splicing and results in a disrupted protein product.

Literature cited by the submitters: PubMed 17576681; PubMed 9536098.

NM_000039.3(APOA1):c.201-1G>C

Genes: APOA1 (apolipoprotein A1; minus strand), APOA1-AS (APOA1 antisense RNA; plus strand). Cytogenetic location: 11q23.3.
Variant type: single nucleotide variant.
Coding change: c.201-1G>C on transcript NM_000039.3 (MANE Select); the canonical splice acceptor site of the intron before coding-DNA position 201, G replaced by C.
Molecular consequence: splice acceptor variant.
Genome position (GRCh38, 1-based): chr11:116,836,412, C>G on the plus strand (G>C on the coding strand, the complement: APOA1 is on the minus strand). VCF-style: chr11-116836412-C-G. GRCh37 (hg19) VCF-style: chr11-116707128-C-G.
Other names: c.-127-1G>C (NM_001425091.1, NM_001318021.2, NM_001425092.1); c.201-1G>C (NM_001425093.1, NM_001318018.2, NM_001318017.2 and 1 more transcripts).
Identifiers: ClinVar variation 2755101 (VCV002755101.3), dbSNP rs1386338165, ClinGen allele CA382717846.
Genomic context (GRCh38, chr11:116,836,412, plus strand): 5'-TGTTCGCGCAGCTTGCTGAAGGTGGAGGTCACGCTGTCCCAGTTGTCAAGGAGCTTTAGG[C>G]TGGAGGGTGAGACAGAAGGGTTGAGGGCTGGCCTCCCAGCGCCCCAGCCTATCAGGGGTG-3'